The following is an entry in ClinVar:

ClinVar aggregate classification (germline): Benign. Review status: criteria provided, multiple submitters, no conflicts (2 of 4 stars). 14 submissions from 12 submitters: Benign (11). 3 of the submissions do not count toward it. Last evaluated 2026-02-04.

Conditions:
Usher syndrome type 1 (USH1). Also called: RETINITIS PIGMENTOSA AND CONGENITAL DEAFNESS. Identifiers: Orphanet 231169, Orphanet 886, MedGen C1568247, MONDO:0010168, OMIM 276900.
Usher syndrome type 1D (USH1D). Also called: USHER SYNDROME, TYPE ID. Identifiers: Orphanet 231169, Orphanet 886, MedGen C1832845, MONDO:0010984, OMIM 601067.
Autosomal recessive nonsyndromic hearing loss 12. Also called: DEAFNESS, AUTOSOMAL RECESSIVE 12. Identifiers: Orphanet 90636, MedGen C1832394, MONDO:0011067, OMIM 601386.

Allele frequency attached by ClinVar (database versions not stated): 1000 Genomes Project 30x 0.55294; 1000 Genomes Project 0.55451; TOPMed 0.62278; gnomAD 0.62444 and 0.62582; ExAC 0.63624; ESP Exome Variant Server 0.66878; gnomAD exomes 0.68378 and 0.62844.
gnomAD v4.1: 1,092,138 of 1,611,520 alleles (68%); highest among the groups gnomAD compares: Non-Finnish European, 71%; 375,141 homozygotes.

Submissions (14):

Labcorp Genetics (formerly Invitae), Labcorp
Classification: Benign. Last evaluated: 2026-02-04. Review status: criteria provided, single submitter. Criteria: Invitae Variant Classification Sherloc (09022015). Collection method: clinical testing. Allele origin: germline.

Women's Health and Genetics/Laboratory Corporation of America, LabCorp
Classification: Benign. Last evaluated: 2025-11-14. Review status: criteria provided, single submitter. Criteria: LabCorp Variant Classification Summary - May 2015. Collection method: clinical testing. Allele origin: germline.

Genome-Nilou Lab
Classification: Benign for Usher syndrome type 1D. Last evaluated: 2021-07-01. Review status: criteria provided, single submitter. Criteria: ACMG Guidelines, 2015. Collection method: clinical testing. Allele origin: germline. Affected: no.

Genome-Nilou Lab
Classification: Benign for Autosomal recessive nonsyndromic hearing loss 12. Last evaluated: 2021-07-01. Review status: criteria provided, single submitter. Criteria: ACMG Guidelines, 2015. Collection method: clinical testing. Allele origin: germline. Affected: no.

Mayo Clinic Laboratories, Mayo Clinic
Classification: Benign. Last evaluated: 2019-06-21. Review status: criteria provided, single submitter. Criteria: ACMG Guidelines, 2015. Collection method: clinical testing. Allele origin: germline. Observed: 142 variant alleles.

Illumina Laboratory Services, Illumina
Classification: Benign for Autosomal recessive nonsyndromic hearing loss 12. Last evaluated: 2018-01-13. Review status: criteria provided, single submitter. Criteria: ICSL Variant Classification Criteria 13 December 2019. Collection method: clinical testing. Allele origin: germline.
Comment: This variant was observed in the ICSL laboratory as part of a predisposition screen in an ostensibly healthy population. It had not been previously curated by ICSL or reported in the Human Gene Mutation Database (HGMD: prior to June 1st, 2018), and was therefore a candidate for classification through an automated scoring system. Utilizing variant allele frequency, disease prevalence and penetrance estimates, and inheritance mode, an automated score was calculated to assess if this variant is too frequent to cause the disease. Based on the score and internal cut-off values, a variant classified as benign is not then subjected to further curation. The score for this variant resulted in a classification of benign for this disease.

Illumina Laboratory Services, Illumina
Classification: Benign for Usher syndrome type 1D. Last evaluated: 2018-01-13. Review status: criteria provided, single submitter. Criteria: ICSL Variant Classification Criteria 13 December 2019. Collection method: clinical testing. Allele origin: germline.
Comment: the same text as in the submission from Illumina Laboratory Services, Illumina above.

GeneDx
Classification: Benign. Last evaluated: 2015-03-03. Review status: criteria provided, single submitter. Criteria: GeneDx Variant Classification Process June 2021. Collection method: clinical testing. Allele origin: germline. Affected: yes.

Laboratory for Molecular Medicine, Mass General Brigham Personalized Medicine
Classification: Benign. Last evaluated: 2012-02-02. Review status: criteria provided, single submitter. Criteria: LMM Criteria. Collection method: clinical testing. Allele origin: germline. Observed: 1,565 variant alleles.
Comment: Caucasian frequency = 4989/6832 (ESP data)

Breakthrough Genomics
Classification: Benign. Review status: criteria provided, single submitter. Criteria: ACMG Guidelines, 2015. Collection method: not provided. Allele origin: germline. Inheritance: Autosomal recessive inheritance. Affected: yes.

PreventionGenetics, part of Exact Sciences
Classification: Benign. Review status: criteria provided, single submitter. Criteria: ACMG Guidelines, 2015. Collection method: clinical testing. Allele origin: germline.

Natera, Inc.
Classification: Benign for Usher syndrome type 1. Last evaluated: 2020-09-16. Review status: no assertion criteria provided. Collection method: clinical testing. Allele origin: germline. Not counted in ClinVar's aggregate classification.

Diagnostic Laboratory, Department of Genetics, University Medical Center Groningen
Classification: Benign. Review status: no assertion criteria provided. Collection method: clinical testing. Allele origin: germline. Affected: yes. Study: VKGL Data-share Consensus. Not counted in ClinVar's aggregate classification.

Joint Genome Diagnostic Labs from Nijmegen and Maastricht, Radboudumc and MUMC+
Classification: Benign. Review status: no assertion criteria provided. Collection method: clinical testing. Allele origin: germline. Affected: yes. Study: VKGL Data-share Consensus. Not counted in ClinVar's aggregate classification.

NM_022124.6(CDH23):c.2316T>C (p.Asn772=)

Gene: CDH23 (cadherin related 23; plus strand). Cytogenetic location: 10q22.1.
Variant type: single nucleotide variant.
Coding change: c.2316T>C on transcript NM_022124.6 (MANE Select); coding-DNA position 2316, T replaced by C.
Protein change: p.Asn772=; no amino-acid change (asparagine 772 retained).
Molecular consequence: synonymous variant.
Genome position (GRCh38, 1-based): chr10:71,695,444, T>C. VCF-style: chr10-71695444-T-C. GRCh37 (hg19) VCF-style: chr10-73455201-T-C.
Other names: p.Asn772=; c.2316T>C, p.Asn772= (NM_001171930.2, NM_001171931.2).
Identifiers: ClinVar variation 45893 (VCV000045893.31), dbSNP rs3752752, ClinGen allele CA137320.
Genomic context (GRCh38, chr10:71,695,444, plus strand): 5'-GGTGTGTCTCCCAGCGCCCCTTATGGCTTCACAGGTAAACATCACCCTCCTGGACATCAA[T>C]GACAACCACCCCACGTGGAAGGACGCACCCTACTACATCAACCTGGTGGAGATGACCCCT-3'
Protein context (NP_071407.4, residues 762-782): ATVNITLLDI[Asn772=]DNHPTWKDAP